The following is an entry in ClinVar:

NM_007194.4(CHEK2):c.545dup (p.Leu183fs)

Gene: CHEK2 (checkpoint kinase 2; minus strand). Cytogenetic location: 22q12.1.
Variant type: Duplication.
Coding change: c.545dup on transcript NM_007194.4 (MANE Select); coding-DNA position 545, one base duplicated (C; older notation c.545dupC).
Protein change: p.Leu183fs; shifts the reading frame from leucine 183.
Molecular consequence: frameshift variant. On other transcripts: 5 prime UTR variant (2), intron variant (1).
Genome position (GRCh38, 1-based): chr22:28,725,024, G duplicated on the plus strand (C on the coding strand, the reverse complement: CHEK2 is on the minus strand); the first of 2 consecutive G bases (chr22:28,725,024-28,725,025); duplicating either gives the same sequence. VCF-style (leftmost placement, unchanged base first): chr22-28725023-A-AG. GRCh37 (hg19) VCF-style: chr22-29121011-A-AG.
Other names: c.674dup, p.Leu226fs (NM_001005735.3, NM_001438294.1); c.-233dup (NM_001257387.3); c.-119dup (NM_001437942.1); c.638dup, p.Leu214fs (NM_001438293.1, NM_001438295.1); c.545dup, p.Leu183fs (NM_145862.3); c.445-101dup (NM_001349956.3); short protein forms L183fs, L226fs, L214fs.
Identifiers: ClinVar variation 1075600 (VCV001075600.8), dbSNP rs2146058345, ClinGen allele CA2499226095.

ClinVar aggregate classification (germline): Pathogenic (1 of 4 stars; one submission).

Conditions:
Familial cancer of breast. Also called: hereditary breast carcinoma; Hereditary breast cancer; BREAST CANCER, FAMILIAL. Identifiers: Orphanet 227535, MedGen C0346153, MONDO:0016419, OMIM 114480. Disease mechanism: loss of function.

Submission:

Labcorp Genetics (formerly Invitae), Labcorp
Classification: Pathogenic for Familial cancer of breast. Last evaluated: 2020-08-27. Review status: criteria provided, single submitter. Criteria: Invitae Variant Classification Sherloc (09022015). Collection method: clinical testing. Allele origin: germline.
Comment: This variant is not present in population databases (ExAC no frequency). For these reasons, this variant has been classified as Pathogenic. Loss-of-function variants in CHEK2 are known to be pathogenic (PMID: 21876083, 24713400). This variant has not been reported in the literature in individuals with CHEK2-related conditions. This sequence change creates a premature translational stop signal (p.Leu183Phefs*3) in the CHEK2 gene. It is expected to result in an absent or disrupted protein product.

Literature cited by the submitters: PubMed 21876083; PubMed 24713400.